The following is an entry in ClinVar:

ClinVar aggregate classification (germline): Uncertain significance (1 of 4 stars; one submission).

Submission:

Labcorp Genetics (formerly Invitae), Labcorp
Classification: Uncertain significance. Last evaluated: 2021-08-21. Review status: criteria provided, single submitter. Criteria: Invitae Variant Classification Sherloc (09022015). Collection method: clinical testing. Allele origin: germline.
Comment: This sequence change replaces serine with proline at codon 1610 of the DNAH9 protein (p.Ser1610Pro). The serine residue is weakly conserved and there is a moderate physicochemical difference between serine and proline. This variant is not present in population databases (ExAC no frequency). This variant has not been reported in the literature in individuals affected with DNAH9-related conditions. Algorithms developed to predict the effect of missense changes on protein structure and function output the following: SIFT: "Deleterious"; PolyPhen-2: "Benign"; Align-GVGD: "Class C0". The proline amino acid residue is found in multiple mammalian species, which suggests that this missense change does not adversely affect protein function. In summary, the available evidence is currently insufficient to determine the role of this variant in disease. Therefore, it has been classified as a Variant of Uncertain Significance.

NM_001372.4(DNAH9):c.4828T>C (p.Ser1610Pro)

Gene: DNAH9 (dynein axonemal heavy chain 9; plus strand). Cytogenetic location: 17p12.
Variant type: single nucleotide variant.
Coding change: c.4828T>C on transcript NM_001372.4 (MANE Select); coding-DNA position 4828, T replaced by C.
Protein change: p.Ser1610Pro; replaces serine 1610 with proline.
Molecular consequence: missense variant.
Genome position (GRCh38, 1-based): chr17:11,694,403, T>C. VCF-style: chr17-11694403-T-C. GRCh37 (hg19) VCF-style: chr17-11597720-T-C.
Other names: short protein forms S1610P.
Identifiers: ClinVar variation 1376542 (VCV001376542.6), dbSNP rs2150759211, ClinGen allele CA398189095.
Genomic context (GRCh38, chr17:11,694,403, plus strand): 5'-CTGGCAGAGTACCTCGACACCAAGAGGCTTGCCTTCCCGCGGTTTTACTTTCTCTCCTCC[T>C]CCGATCTGTTAGACATCCTTTCCAACGGCACAGCTCCACAACAGGTAAGCTGGAGGAGCA-3'
Protein context (NP_001363.2, residues 1600-1620): AFPRFYFLSS[Ser1610Pro]DLLDILSNGT